The following is an entry in ClinVar:

ClinVar aggregate classification (germline): Conflicting classifications of pathogenicity. Review status: criteria provided, conflicting classifications (1 of 4 stars). 2 submissions from 2 submitters: Likely pathogenic (1); Uncertain significance (1). Last evaluated 2025-03-07.

Conditions:
Recessive dystrophic epidermolysis bullosa (RDEB). Also called: DYSTROPHIC EPIDERMOLYSIS BULLOSA, AUTOSOMAL RECESSIVE; EPIDERMOLYSIS BULLOSA DYSTROPHICA, HALLOPEAU-SIEMENS TYPE; Hallopeau-Siemens Disease; Epidermolysis Bullosa Distrophica Autosomal Recessive (RDEB); severe generalized recessive dystrophic epidermolysis bullosa; EPIDERMOLYSIS BULLOSA DYSTROPHICA, GENERALIZED SEVERE, AUTOSOMAL RECESSIVE. Identifiers: Orphanet 79408, Orphanet 79409, MedGen C0079474, MONDO:0009179, OMIM 226600.

Allele frequency attached by ClinVar (database versions not stated): gnomAD exomes below 0.00001.
gnomAD v4.1: 1 of 1,614,018 alleles (0.000062%); highest among the groups gnomAD compares: Admixed American, 0.0017%; no homozygotes.

Submissions (2):

GeneDx
Classification: Likely pathogenic. Last evaluated: 2025-03-07. Review status: criteria provided, single submitter. Criteria: GeneDx Variant Classification Process June 2021. Collection method: clinical testing. Allele origin: germline. Affected: yes.
Comment: Intronic +5 splice site variant in a gene for which loss of function is a known mechanism of disease, and both splice predictors and evolutionary conservation support a deleterious effect, although in the absence of functional evidence the actual effect of this sequence change is unknown; Not observed at significant frequency in large population cohorts (gnomAD); This variant is associated with the following publications: (PMID: 34435747)

3billion
Classification: Uncertain significance for Recessive dystrophic epidermolysis bullosa. Last evaluated: 2022-03-22. Review status: criteria provided, single submitter. Criteria: ACMG Guidelines, 2015. Collection method: clinical testing. Allele origin: germline. Affected: yes. Observed: 1 heterozygote.
Comment: The variant is observed at an extremely low frequency in the gnomAD v2.1.1 dataset (total allele frequency: 0.0000040). In silico tools predict the variant to alter splicing and produce an abnormal transcript (SPLICEAI: 0.94>=0.8). Therefore, this variant is classified as uncertain significance according to the recommendation of ACMG/AMP guideline.

NM_000094.4(COL7A1):c.4635+5G>A

Gene: COL7A1 (collagen type VII alpha 1 chain; minus strand). Cytogenetic location: 3p21.31.
Variant type: single nucleotide variant.
Coding change: c.4635+5G>A on transcript NM_000094.4 (MANE Select); 5 bases into the intron after coding-DNA position 4635, G replaced by A.
Molecular consequence: intron variant.
Genome position (GRCh38, 1-based): chr3:48,582,318, C>T on the plus strand (G>A on the coding strand, the complement: COL7A1 is on the minus strand). VCF-style: chr3-48582318-C-T. GRCh37 (hg19) VCF-style: chr3-48619751-C-T.
Identifiers: ClinVar variation 1526116 (VCV001526116.2), dbSNP rs1170510858, ClinGen allele CA542792195.